The following is an entry in ClinVar:

ClinVar aggregate classification (germline): Likely pathogenic (1 of 4 stars; one submission).

Conditions:
Contractures, pterygia, and variable skeletal fusions syndrome 1B. Also called: CONTRACTURES, PTERYGIA, AND SPONDYLOCARPOTARSAL FUSION SYNDROME 1B. Identifiers: MedGen C5193114, MONDO:0020746, OMIM 618469.

Submission:

Kasturba Medical College, Manipal, Kasturba Medical College, Manipal, Manipal Academy of Higher Education, Manipal, India
Classification: Likely pathogenic for Contractures, pterygia, and variable skeletal fusions syndrome 1B. Review status: criteria provided, single submitter. Criteria: ACMG Guidelines, 2015. Collection method: clinical testing. Allele origin: maternal. Inheritance: Autosomal recessive inheritance. Affected: yes. Observed: 1 compound heterozygote.
Comment: The variant c.3007dup is likely to cause shift in the reading frame and predicted to lead to premature termination codon which may either trigger nonsense-mediated mRNA decay or result in a truncated protein product.

NM_002470.4(MYH3):c.3007dup (p.Ala1003fs)

Gene: MYH3 (myosin heavy chain 3; minus strand). Cytogenetic location: 17p13.1.
Variant type: Duplication.
Coding change: c.3007dup on transcript NM_002470.4 (MANE Select); coding-DNA position 3007, one base duplicated (G; older notation c.3007dupG).
Protein change: p.Ala1003fs; shifts the reading frame from alanine 1003.
Molecular consequence: frameshift variant.
Genome position (GRCh38, 1-based): chr17:10,639,393, C duplicated on the plus strand (G on the coding strand, the reverse complement: MYH3 is on the minus strand); the first of 2 consecutive C bases (chr17:10,639,393-10,639,394); duplicating either gives the same sequence. VCF-style (leftmost placement, unchanged base first): chr17-10639392-G-GC. GRCh37 (hg19) VCF-style: chr17-10542709-G-GC.
Other names: short protein forms A1003fs.
Identifiers: ClinVar variation 3341291 (VCV003341291.2).